The following is an entry in ClinVar:

ClinVar aggregate classification (germline): Pathogenic/Likely pathogenic. Review status: criteria provided, multiple submitters, no conflicts (2 of 4 stars). 5 submissions from 5 submitters: Pathogenic (2); Likely pathogenic (2). 1 of the submissions does not count toward it. Last evaluated 2026-01-21.

Conditions:
Bardet-Biedl syndrome (BBS). Identifiers: Orphanet 110, MedGen C0752166, MONDO:0015229.
Bardet-Biedl syndrome 12 (BBS12). Identifiers: Orphanet 110, MedGen C1859570, MONDO:0014440, OMIM 615989.

Allele frequency attached by ClinVar (database versions not stated): gnomAD exomes 0.00001.
gnomAD v4.1: 3 of 1,613,450 alleles (0.00019%); highest among the groups gnomAD compares: Admixed American, 0.005%; no homozygotes.

Submissions (5):

GeneDx
Classification: Likely pathogenic. Last evaluated: 2026-01-21. Review status: criteria provided, single submitter. Criteria: GeneDx Variant Classification Process June 2021. Collection method: clinical testing. Allele origin: germline.
Comment: Nonsense variant predicted to result in protein truncation, as the last 676 amino acids are lost, and other loss-of-function variants have been reported downstream in HGMD; This variant is associated with the following publications: (PMID: 20472660, 31964843, 31974414)

Labcorp Genetics (formerly Invitae), Labcorp
Classification: Pathogenic for Bardet-Biedl syndrome. Last evaluated: 2025-08-10. Review status: criteria provided, single submitter. Criteria: Invitae Variant Classification Sherloc (09022015). Collection method: clinical testing. Allele origin: germline.
Comment: This sequence change creates a premature translational stop signal (p.Ser35*) in the BBS12 gene. While this is not anticipated to result in nonsense mediated decay, it is expected to disrupt the last 676 amino acid(s) of the BBS12 protein. This variant is present in population databases (no rsID available, gnomAD 0.009%). This premature translational stop signal has been observed in individual(s) with Bardet-Biedl syndrome (PMID: 20472660). ClinVar contains an entry for this variant (Variation ID: 462963). For these reasons, this variant has been classified as Pathogenic.

Fulgent Genetics
Classification: Likely pathogenic for Bardet-Biedl syndrome 12. Last evaluated: 2021-11-06. Review status: criteria provided, single submitter. Criteria: ACMG Guidelines, 2015. Collection method: clinical testing. Allele origin: unknown.

Genetic Services Laboratory, University of Chicago
Classification: Pathogenic. Last evaluated: 2017-11-15. Review status: criteria provided, single submitter. Criteria: ACMG Guidelines, 2015. Collection method: clinical testing. Allele origin: germline. Affected: yes.

Natera, Inc.
Classification: Pathogenic for Bardet-Biedl syndrome type 12. Last evaluated: 2021-01-26. Review status: no assertion criteria provided. Collection method: clinical testing. Allele origin: germline. Not counted in ClinVar's aggregate classification.

Literature cited by the submitters: PubMed 20472660 (cited by Labcorp Genetics (formerly Invitae), Labcorp).

NM_152618.3(BBS12):c.104C>A (p.Ser35Ter)

Gene: BBS12 (Bardet-Biedl syndrome 12; plus strand). Cytogenetic location: 4q27.
Variant type: single nucleotide variant.
Coding change: c.104C>A on transcript NM_152618.3 (MANE Select); coding-DNA position 104, C replaced by A.
Protein change: p.Ser35Ter; replaces serine 35 with a stop codon.
Molecular consequence: nonsense.
Genome position (GRCh38, 1-based): chr4:122,741,996, C>A. VCF-style: chr4-122741996-C-A. GRCh37 (hg19) VCF-style: chr4-123663151-C-A.
Other names: c.104C>A, p.Ser35Ter (NM_001178007.2); short protein forms S35*.
Identifiers: ClinVar variation 462963 (VCV000462963.16), dbSNP rs1381368546, ClinGen allele CA358222190.